The following is an entry in ClinVar:

NM_016247.4(IMPG2):c.370T>C (p.Phe124Leu)

Gene: IMPG2 (interphotoreceptor matrix proteoglycan 2; minus strand). Cytogenetic location: 3q12.3.
Variant type: single nucleotide variant.
Coding change: c.370T>C on transcript NM_016247.4 (MANE Select); coding-DNA position 370, T replaced by C.
Protein change: p.Phe124Leu; replaces phenylalanine 124 with leucine.
Molecular consequence: missense variant.
Genome position (GRCh38, 1-based): chr3:101,304,277, A>G on the plus strand (T>C on the coding strand, the complement: IMPG2 is on the minus strand). VCF-style: chr3-101304277-A-G. GRCh37 (hg19) VCF-style: chr3-101023121-A-G.
Other names: short protein forms F124L.
Identifiers: ClinVar variation 3550 (VCV000003550.16), dbSNP rs201893545, ClinGen allele CA116343.

ClinVar aggregate classification (germline): Conflicting classifications of pathogenicity. Review status: criteria provided, conflicting classifications (1 of 4 stars). 7 submissions from 7 submitters: Pathogenic (1); Likely pathogenic (3); Uncertain significance (1). 2 of the submissions do not count toward it. Last evaluated 2025-12-17.

Conditions:
IMPG2-related disorders.
Vitelliform macular dystrophy 5. Identifiers: Orphanet 99000, MedGen C4015343, MONDO:0014509, OMIM 616152.
Retinal dystrophy. Also called: Inherited retinal dystrophy. Identifiers: Orphanet 71862, MedGen C0854723, MeSH D058499, MONDO:0019118, HP:0000556.
Retinitis pigmentosa (RP). Identifiers: Orphanet 791, MedGen C0035334, MeSH D012174, MONDO:0019200, OMIM 268000. Inheritance: Autosomal dominant, autosomal recessive and X linked inheritance.
Retinitis pigmentosa 56 (RP56). Identifiers: Orphanet 791, MedGen C3150819, MONDO:0013314, OMIM 613581.

Allele frequency attached by ClinVar (database versions not stated): gnomAD 0.00004 and 0.00005; TOPMed 0.00004; gnomAD exomes 0.00006; ExAC 0.00008.
gnomAD v4.1: 101 of 1,613,764 alleles (0.0063%); highest among the groups gnomAD compares: Middle Eastern, 0.016%; no homozygotes.

Submissions (7):

Labcorp Genetics (formerly Invitae), Labcorp
Classification: Pathogenic. Last evaluated: 2025-12-17. Review status: criteria provided, single submitter. Criteria: Invitae Variant Classification Sherloc (09022015). Collection method: clinical testing. Allele origin: germline.
Comment: This sequence change replaces phenylalanine, which is neutral and non-polar, with leucine, which is neutral and non-polar, at codon 124 of the IMPG2 protein (p.Phe124Leu). This variant is present in population databases (rs201893545, gnomAD 0.01%). This missense change has been observed in individual(s) with rod-cone dystrophy or autosomal recessive maculopathy (PMID: 20673862; internal data). In at least one individual the data is consistent with being in trans (on the opposite chromosome) from a pathogenic variant. It has also been observed to segregate with disease in related individuals. ClinVar contains an entry for this variant (Variation ID: 3550). An algorithm developed to predict the effect of missense changes on protein structure and function (PolyPhen-2) suggests that this variant is likely to be disruptive. For these reasons, this variant has been classified as Pathogenic.

First Genomix Gene Laboratory, Genetic Diagnostics Department
Classification: Likely pathogenic for Retinitis pigmentosa 56. Last evaluated: 2025-09-16. Review status: criteria provided, single submitter. Criteria: ACMG Guidelines, 2015. Collection method: clinical testing. Allele origin: germline. Inheritance: Autosomal recessive inheritance. Affected: no. Observed: 1 variant allele.

Blueprint Genetics
Classification: Likely pathogenic for IMPG2-related disorders. Last evaluated: 2024-09-15. Review status: criteria provided, single submitter. Criteria: ACMG Guidelines, 2015. Collection method: clinical testing. Allele origin: germline. Affected: yes. Observed: 5 variant alleles.

Victorian Clinical Genetics Services, Murdoch Childrens Research Institute
Classification: Uncertain significance for Retinitis pigmentosa 56. Last evaluated: 2020-05-21. Review status: criteria provided, single submitter. Criteria: ACMG Guidelines, 2015. Collection method: clinical testing. Allele origin: germline.
Comment: A heterozygous missense variant was identified, NM_016247.3(IMPG2):c.370T>C in exon 3 of the IMPG2 gene. This substitution is predicted to create a minor amino acid change from a phenylalanine to a leucine at position 124 of the protein; NP_057331.2(IMPG2):p.(Phe124Leu). The phenylalanine at this position has very high conservation (100 vertebrates, UCSC), and is not situated in a known functional domain (NCBI, PDB). In silico software predictions of the pathogenicity of this variant are conflicting (PolyPhen2, FATHMM, MutationAssessor, PROVEAN). The variant is present in the gnomAD population database at a global population frequency of 0.007% (19 heterozygotes, 0 homozygotes) with a European sub-population frequency of 0.01%. This variant has been previously reported as pathogenic (ClinVar; Bandah-Rozenfeld, D. et al. (2010)). Based on information available at the time of curation, this variant has been classified as a VUS with POTENTIAL CLINICAL RELEVANCE.

Institute of Human Genetics, Univ. Regensburg, Univ. Regensburg
Classification: Likely pathogenic for Retinal dystrophy. Last evaluated: 2018-01-01. Review status: criteria provided, single submitter. Criteria: ACMG Guidelines, 2015. Collection method: clinical testing. Allele origin: germline. Affected: yes.

Sharon lab, Hadassah-Hebrew University Medical Center
Classification: Likely pathogenic for Retinitis pigmentosa. Last evaluated: 2019-06-23. Review status: no assertion criteria provided. Collection method: research. Allele origin: inherited. Affected: yes. Not counted in ClinVar's aggregate classification.

OMIM
Classification: Pathogenic for MACULAR DYSTROPHY, VITELLIFORM, 5. Last evaluated: 2014-12-01. Review status: no assertion criteria provided. Collection method: literature only. Allele origin: germline. Not counted in ClinVar's aggregate classification.

Literature cited by the submitters: PubMed 20673862 (cited by 4 submitters); PubMed 31589614 (cited by Institute of Human Genetics, Univ. Regensburg, Univ. Regensburg); PubMed 31964843 (cited by Institute of Human Genetics, Univ. Regensburg, Univ. Regensburg); PubMed 31456290 (cited by Institute of Human Genetics, Univ. Regensburg, Univ. Regensburg); PubMed 36460718 (cited by Institute of Human Genetics, Univ. Regensburg, Univ. Regensburg); PubMed 25085631 (cited by OMIM).